The following is an entry in ClinVar:

NM_001330260.2(SCN8A):c.2491G>A (p.Glu831Lys)

Gene: SCN8A (sodium voltage-gated channel alpha subunit 8; plus strand). Cytogenetic location: 12q13.13.
Variant type: single nucleotide variant.
Coding change: c.2491G>A on transcript NM_001330260.2 (MANE Select); coding-DNA position 2491, G replaced by A.
Protein change: p.Glu831Lys; replaces glutamic acid 831 with lysine.
Molecular consequence: missense variant.
Genome position (GRCh38, 1-based): chr12:51,762,623, G>A. VCF-style: chr12-51762623-G-A. GRCh37 (hg19) VCF-style: chr12-52156407-G-A.
Other names: c.2491G>A, p.Glu831Lys (NM_001177984.3, NM_001369788.1, NM_014191.4); short protein forms E831K.
Identifiers: ClinVar variation 996906 (VCV000996906.1), dbSNP rs1555225505, ClinGen allele CA384884408.

ClinVar aggregate classification (germline): Likely pathogenic (1 of 4 stars; one submission).

Conditions:
Cognitive impairment with or without cerebellar ataxia (CIAT). Identifiers: MedGen C3280415, MONDO:0013680, OMIM 614306.

Submission:

New York Genome Center
Classification: Likely pathogenic for Cognitive impairment with or without cerebellar ataxia. Last evaluated: 2019-10-11. Review status: criteria provided, single submitter. Criteria: NYGC Assertion Criteria 2020. Collection method: clinical testing. Allele origin: de novo. Inheritance: Autosomal dominant inheritance. Observed: 1 heterozygote. Study: CSER-NYCKidSeq.
Comment: The de novo p.Glu831Lys missense variant identified the SCN8A gene is not reported in the literature and is absent from the gnomAD database indicating its an extremely rare allele in the general population. Most of the SCN8A pathogenic variants reported to-date are missense and de novo [PMID: 25568300]. The p.Glu831Lys variant is predicted deleterious by a variety of in silico prediction tools. The affected residue is evolutionarily conserved and is located in second of the four homologous repeat domains (D2). Recurrent and non-recurrent pathogenic variants in the functionally important D2 domain have been reported in the literature. Based on available evidence, the de novo p.Glu831Lys variant in the SCN8Agene is assessed as likely pathogenic.